The following is an entry in ClinVar:

NM_001267550.2(TTN):c.103087C>T (p.Pro34363Ser)

Genes: TTN-AS1 (TTN antisense RNA 1; plus strand), TTN (titin; minus strand). Cytogenetic location: 2q31.2.
Variant type: single nucleotide variant.
Coding change: c.103087C>T on transcript NM_001267550.2 (MANE Select); coding-DNA position 103087, C replaced by T.
Protein change: p.Pro34363Ser; replaces proline 34363 with serine.
Molecular consequence: missense variant.
Genome position (GRCh38, 1-based): chr2:178,533,528, G>A on the plus strand (C>T on the coding strand, the complement: TTN is on the minus strand). VCF-style: chr2-178533528-G-A. GRCh37 (hg19) VCF-style: chr2-179398255-G-A.
Other names: c.98164C>T, p.Pro32722Ser (NM_001256850.1); c.75892C>T, p.Pro25298Ser (NM_003319.4); c.95383C>T, p.Pro31795Ser (NM_133378.4); c.76267C>T, p.Pro25423Ser (NM_133432.3); c.76468C>T, p.Pro25490Ser (NM_133437.4); short protein forms P31795S, P34363S, P25298S, P32722S, P25423S, P25490S.
Identifiers: ClinVar variation 501564 (VCV000501564.11), dbSNP rs771573240, ClinGen allele CA1985661.
Genomic context (GRCh38, chr2:178,533,528, plus strand): 5'-CAAAGCAGACACTTTGGCCTTCTTGGCATTCTGCATTTGCCAGTAACCTTTTGAACATGG[G>A]TCTTAAGGTACTATCTGTTGGAGGTGGGTGTAGGGTTACTGTCAGCTTTGCTTTACAGCT-3'
Protein context (NP_001254479.2, residues 34353-34373): HPPPTDSTLR[Pro34363Ser]MFKRLLANAE

ClinVar aggregate classification (germline): Uncertain significance. Review status: criteria provided, multiple submitters, no conflicts (2 of 4 stars). 2 submissions from 2 submitters: Uncertain significance (2). Last evaluated 2023-11-13.

Conditions:
Autosomal recessive limb-girdle muscular dystrophy type 2J (LGMDR10). Also called: MUSCULAR DYSTROPHY, LIMB-GIRDLE, AUTOSOMAL RECESSIVE 10; Limb-girdle muscular dystrophy, type 2J. Identifiers: Orphanet 140922, MedGen C1837342, MONDO:0012127, OMIM 608807.
Dilated cardiomyopathy 1G (CMD1G). Identifiers: Orphanet 154, MedGen C1858763, MONDO:0011400, OMIM 604145.

Allele frequency attached by ClinVar (database versions not stated): ExAC 0.00001; gnomAD 0.00001; gnomAD exomes 0.00001.
gnomAD v4.1: 8 of 1,613,764 alleles (0.0005%); highest among the groups gnomAD compares: Non-Finnish European, 0.00068%; no homozygotes.

Submissions (2):

Labcorp Genetics (formerly Invitae), Labcorp
Classification: Uncertain significance for Dilated cardiomyopathy 1G; Autosomal recessive limb-girdle muscular dystrophy type 2J. Last evaluated: 2023-11-13. Review status: criteria provided, single submitter. Criteria: Invitae Variant Classification Sherloc (09022015). Collection method: clinical testing. Allele origin: germline.
Comment: This sequence change replaces proline, which is neutral and non-polar, with serine, which is neutral and polar, at codon 34363 of the TTN protein (p.Pro34363Ser). This variant is present in population databases (rs771573240, gnomAD 0.002%). This variant has not been reported in the literature in individuals affected with TTN-related conditions. ClinVar contains an entry for this variant (Variation ID: 501564). Experimental studies and prediction algorithms are not available or were not evaluated, and the functional significance of this variant is currently unknown. This variant is located in the M band of TTN (PMID: 25589632). Variants in this region may be relevant for neuromuscular disorders, but have not been definitively shown to cause cardiomyopathy (PMID: 23975875). In summary, the available evidence is currently insufficient to determine the role of this variant in disease. Therefore, it has been classified as a Variant of Uncertain Significance.

Eurofins Ntd Llc (ga)
Classification: Uncertain significance. Last evaluated: 2017-04-27. Review status: criteria provided, single submitter. Criteria: EGL Classification Definitions 2015. Collection method: clinical testing. Allele origin: germline. Observed: 1 variant allele, 1 heterozygote.

Literature cited by the submitters: PubMed 25589632 (cited by Labcorp Genetics (formerly Invitae), Labcorp); PubMed 23975875 (cited by Labcorp Genetics (formerly Invitae), Labcorp).